The following is an entry in ClinVar:

ClinVar aggregate classification (germline): Uncertain significance (1 of 4 stars; one submission).

Conditions:
3-methylglutaconic aciduria with deafness, encephalopathy, and Leigh-like syndrome (MEGDEL). Also called: 3-METHYLGLUTACONIC ACIDURIA, TYPE VI; SERAC1 Deficiency; MEGDEL syndrome. Identifiers: Orphanet 352328, MedGen C4040739, MONDO:0013875, OMIM 614739.

Allele frequency attached by ClinVar (database versions not stated): gnomAD 0.00001; gnomAD exomes 0.00001.
gnomAD v4.1: 16 of 1,613,166 alleles (0.00099%); highest among the groups gnomAD compares: Admixed American, 0.0017%; no homozygotes.

Submission:

Labcorp Genetics (formerly Invitae), Labcorp
Classification: Uncertain significance for 3-methylglutaconic aciduria with deafness, encephalopathy, and Leigh-like syndrome. Last evaluated: 2023-12-07. Review status: criteria provided, single submitter. Criteria: Invitae Variant Classification Sherloc (09022015). Collection method: clinical testing. Allele origin: germline.
Comment: This sequence change replaces arginine, which is basic and polar, with cysteine, which is neutral and slightly polar, at codon 337 of the SERAC1 protein (p.Arg337Cys). This variant is not present in population databases (gnomAD no frequency). This variant has not been reported in the literature in individuals affected with SERAC1-related conditions. ClinVar contains an entry for this variant (Variation ID: 2144282). Advanced modeling of protein sequence and biophysical properties (such as structural, functional, and spatial information, amino acid conservation, physicochemical variation, residue mobility, and thermodynamic stability) performed at Invitae indicates that this missense variant is not expected to disrupt SERAC1 protein function with a negative predictive value of 80%. In summary, the available evidence is currently insufficient to determine the role of this variant in disease. Therefore, it has been classified as a Variant of Uncertain Significance.

NM_032861.4(SERAC1):c.1009C>T (p.Arg337Cys)

Gene: SERAC1 (serine active site containing 1; minus strand). Cytogenetic location: 6q25.3.
Variant type: single nucleotide variant.
Coding change: c.1009C>T on transcript NM_032861.4 (MANE Select); coding-DNA position 1009, C replaced by T.
Protein change: p.Arg337Cys; replaces arginine 337 with cysteine.
Molecular consequence: missense variant. On other transcripts: non-coding transcript variant (1).
Genome position (GRCh38, 1-based): chr6:158,128,114, G>A on the plus strand (C>T on the coding strand, the complement: SERAC1 is on the minus strand). VCF-style: chr6-158128114-G-A. GRCh37 (hg19) VCF-style: chr6-158549146-G-A.
Other names: short protein forms R337C.
Identifiers: ClinVar variation 2144282 (VCV002144282.4), dbSNP rs1443098937, ClinGen allele CA366259544.
Genomic context (GRCh38, chr6:158,128,114, plus strand): 5'-AGGGGTAGAGGTGGGAGAACAAAGTAAAAAATACTCAGTATATAAAGCTGTTACCTGAGC[G>A]AACTATAGAAGAATGAAGATGTTCATTCAAAGCCATATTTCCAATGACACGCATTATATT-3'
Protein context (NP_116250.3, residues 327-347): LNEHLHSSIV[Arg337Cys]SGWVSIMAEA